The following is an entry in ClinVar:

ClinVar aggregate classification (germline): Conflicting classifications of pathogenicity. Review status: criteria provided, conflicting classifications (1 of 4 stars). 2 submissions from 2 submitters: Uncertain significance (1); Likely benign (1). Last evaluated 2025-12-08.

Conditions:
Cardiovascular phenotype. Identifiers: MedGen CN230736.

Allele frequency attached by ClinVar (database versions not stated): gnomAD 0.00001; ESP Exome Variant Server 0.00008; gnomAD exomes below 0.00001; TOPMed below 0.00001.
gnomAD v4.1: 6 of 1,613,784 alleles (0.00037%); highest among the groups gnomAD compares: Non-Finnish European, 0.00051%; no homozygotes.

Submissions (2):

Labcorp Genetics (formerly Invitae), Labcorp
Classification: Uncertain significance. Last evaluated: 2025-12-08. Review status: criteria provided, single submitter. Criteria: Invitae Variant Classification Sherloc (09022015). Collection method: clinical testing. Allele origin: germline.
Comment: This sequence change replaces glutamic acid, which is acidic and polar, with glycine, which is neutral and non-polar, at codon 1103 of the ALPK3 protein (p.Glu1103Gly). This variant is present in population databases (rs140378165, gnomAD 0.0009%). This missense change has been observed in individual(s) with hypertrophic cardiomyopathy/dilated cardiomyopathy (PMID: 32480058). ClinVar contains an entry for this variant (Variation ID: 2563939). Invitae Evidence Modeling of protein sequence and biophysical properties (such as structural, functional, and spatial information, amino acid conservation, physicochemical variation, residue mobility, and thermodynamic stability) indicates that this missense variant is not expected to disrupt ALPK3 protein function with a negative predictive value of 80%. In summary, the available evidence is currently insufficient to determine the role of this variant in disease. Therefore, it has been classified as a Variant of Uncertain Significance.

Ambry Genetics
Classification: Likely benign for Cardiovascular phenotype. Last evaluated: 2023-04-18. Review status: criteria provided, single submitter. Criteria: Ambry Variant Classification Scheme 2023. Collection method: clinical testing. Allele origin: germline.

Literature cited by the submitters: PubMed 32480058 (cited by Labcorp Genetics (formerly Invitae), Labcorp and Ambry Genetics).

NM_020778.5(ALPK3):c.2702A>G (p.Glu901Gly)

Gene: ALPK3 (alpha kinase 3; plus strand). Cytogenetic location: 15q25.3.
Variant type: single nucleotide variant.
Coding change: c.2702A>G on transcript NM_020778.5 (MANE Select); coding-DNA position 2702, A replaced by G.
Protein change: p.Glu901Gly; replaces glutamic acid 901 with glycine.
Molecular consequence: missense variant.
Genome position (GRCh38, 1-based): chr15:84,857,440, A>G. VCF-style: chr15-84857440-A-G. GRCh37 (hg19) VCF-style: chr15-85400671-A-G.
Other names: short protein forms E901G.
Identifiers: ClinVar variation 2563939 (VCV002563939.5), dbSNP rs140378165, ClinGen allele CA273624680.